The following is an entry in ClinVar:

NM_014847.4(UBAP2L):c.2432A>G (p.His811Arg)

Gene: UBAP2L (ubiquitin associated protein 2 like; plus strand). Cytogenetic location: 1q21.3.
Variant type: single nucleotide variant.
Coding change: c.2432A>G on transcript NM_014847.4 (MANE Select); coding-DNA position 2432, A replaced by G.
Protein change: p.His811Arg; replaces histidine 811 with arginine.
Molecular consequence: missense variant.
Genome position (GRCh38, 1-based): chr1:154,257,424, A>G. VCF-style: chr1-154257424-A-G. GRCh37 (hg19) VCF-style: chr1-154229900-A-G.
Other names: c.2432A>G, p.His811Arg (NM_001127320.3, NM_001375614.1, NM_001375615.1 and 14 more transcripts); c.2411A>G, p.His804Arg (NM_001287815.1); c.2465A>G, p.His822Arg (NM_001287816.1, NM_001330730.1, NM_001375612.1 and 2 more transcripts); short protein forms H804R, H811R, H822R.
Identifiers: ClinVar variation 2499693 (VCV002499693.2), dbSNP rs2528221365, ClinGen allele CA342614547.
Genomic context (GRCh38, chr1:154,257,424, plus strand): 5'-TCCCTCCTGGGGTCCCGCCGTTGTTGCCTAATCCGTATATTATGGCTCCAGGGCTGTTAC[A>G]TGCCTACCCGGTAAGTGGGACTAAAGGATCTTCTTCAAAAGGTGAGGATGTTGTGGCTAC-3'
Protein context (NP_055662.3, residues 801-821): NPYIMAPGLL[His811Arg]AYPPQVYGYD

ClinVar aggregate classification (germline): Uncertain significance (1 of 4 stars; one submission).

gnomAD v4.1: 1 of 1,612,678 alleles (0.000062%); highest among the groups gnomAD compares: Non-Finnish European, 0.000085%; no homozygotes.

Submission:

GeneDx
Classification: Uncertain significance. Last evaluated: 2025-07-17. Review status: criteria provided, single submitter. Criteria: GeneDx Variant Classification Process June 2021. Collection method: clinical testing. Allele origin: germline.
Comment: Not observed at significant frequency in large population cohorts (gnomAD); In silico analysis supports that this missense variant has a deleterious effect on protein structure/function; Has not been previously published as pathogenic or benign to our knowledge